The following is an entry in ClinVar:

NM_002024.6(FMR1):c.1654+10T>A

Gene: FMR1 (fragile X messenger ribonucleoprotein 1; plus strand). Cytogenetic location: Xq27.3.
Variant type: single nucleotide variant.
Coding change: c.1654+10T>A on transcript NM_002024.6 (MANE Select); 10 bases into the intron after coding-DNA position 1654, T replaced by A.
Molecular consequence: intron variant.
Genome position (GRCh38, 1-based): chrX:147,945,061, T>A. VCF-style: chrX-147945061-T-A. GRCh37 (hg19) VCF-style: chrX-147026581-T-A.
Other names: c.1654+10T>A (NM_002024.5); c.1383+10T>A (NM_001185075.2); c.1591+10T>A (NM_001185076.2); c.1516+10T>A (NM_001185082.2); c.1320+10T>A (NM_001185081.2).
Identifiers: ClinVar variation 287273 (VCV000287273.8), dbSNP rs782472011, ClinGen allele CA10605726.

ClinVar aggregate classification (germline): Conflicting classifications of pathogenicity. Review status: criteria provided, conflicting classifications (1 of 4 stars). 3 submissions from 3 submitters: Uncertain significance (1); Likely benign (1). 1 of the submissions does not count toward it. Last evaluated 2022-11-28.

Conditions:
FMR1-related disorder. Also called: FMR1-related condition.

Allele frequency attached by ClinVar (database versions not stated): TOPMed below 0.00001; gnomAD 0.00001.
gnomAD v4.1: 3 of 1,168,252 alleles (0.00026%); highest among the groups gnomAD compares: Non-Finnish European, 0.00034%; no homozygotes.

Submissions (3):

Blueprint Genetics
Classification: Likely benign. Last evaluated: 2022-11-28. Review status: criteria provided, single submitter. Criteria: ACMG Guidelines, 2015. Collection method: clinical testing. Allele origin: germline.

Eurofins Ntd Llc (ga)
Classification: Uncertain significance. Last evaluated: 2016-04-04. Review status: criteria provided, single submitter. Criteria: EGL Classification Definitions 2015. Collection method: clinical testing. Allele origin: germline. Observed: 1 variant allele, 1 hemizygote.

PreventionGenetics, part of Exact Sciences
Classification: Likely benign for FMR1-related condition. Last evaluated: 2021-06-22. Review status: no assertion criteria provided. Collection method: clinical testing. Allele origin: germline. Not counted in ClinVar's aggregate classification.
Comment: This variant is classified as likely benign based on ACMG/AMP sequence variant interpretation guidelines (Richards et al. 2015 PMID: 25741868, with internal and published modifications).